The following is an entry in ClinVar:

NM_013382.7(POMT2):c.46C>T (p.Pro16Ser)

Gene: POMT2 (protein O-mannosyltransferase 2; minus strand). Cytogenetic location: 14q24.3.
Variant type: single nucleotide variant.
Coding change: c.46C>T on transcript NM_013382.7 (MANE Select); coding-DNA position 46, C replaced by T.
Protein change: p.Pro16Ser; replaces proline 16 with serine.
Molecular consequence: missense variant.
Genome position (GRCh38, 1-based): chr14:77,320,636, G>A on the plus strand (C>T on the coding strand, the complement: POMT2 is on the minus strand). VCF-style: chr14-77320636-G-A. GRCh37 (hg19) VCF-style: chr14-77786979-G-A.
Other names: c.46C>T (NM_013382.5); short protein forms P16S.
Identifiers: ClinVar variation 1484549 (VCV001484549.7), dbSNP rs747944127, ClinGen allele CA263795015.
Genomic context (GRCh38, chr14:77,320,636, plus strand): 5'-CAGCGGCCACGTCCCGGCCTGCGGCCCTAGCAGCCTGGGGGCCACAGCGGCCCCTCCGGG[G>A]ACGCAGCTCGGACTCTGCCAGGCCTCCGCCCGTGGCCGGCGGCATCTTCCCCCTCCTCTG-3'
Protein context (NP_037514.2, residues 6-26): GGGLAESELR[Pro16Ser]RRGRCGPQAA

ClinVar aggregate classification (germline): Uncertain significance. Review status: criteria provided, multiple submitters, no conflicts (2 of 4 stars). 2 submissions from 2 submitters: Uncertain significance (2). Last evaluated 2021-09-24.

Conditions:
Muscular dystrophy-dystroglycanopathy (congenital with impaired intellectual development), type B, 2. Also called: Muscular dystrophy-dystroglycanopathy (congenital with intellectual disability), type B2; MUSCULAR DYSTROPHY, CONGENITAL, POMT2-RELATED. Identifiers: MedGen C3150416, MONDO:0013160, OMIM 613156.
Autosomal recessive limb-girdle muscular dystrophy type 2N. Also called: MUSCULAR DYSTROPHY-DYSTROGLYCANOPATHY, LIMB-GIRDLE, POMT2-RELATED; Muscular dystrophy-dystroglycanopathy (limb-girdle), type C, 2. Identifiers: Orphanet 206559, MedGen C3150418, MONDO:0013162, OMIM 613158.
Muscular dystrophy-dystroglycanopathy (congenital with brain and eye anomalies), type A2. Also called: MUSCULAR DYSTROPHY-DYSTROGLYCANOPATHY (CONGENITAL WITH BRAIN AND EYE ANOMALIES), TYPE A, 2; WALKER-WARBURG SYNDROME OR MUSCLE-EYE-BRAIN DISEASE, POMT2-RELATED. Identifiers: Orphanet 588, Orphanet 899, MedGen C3150411, MONDO:0013154, OMIM 613150.

Allele frequency attached by ClinVar (database versions not stated): gnomAD exomes 0.00001.
gnomAD v4.1: 5 of 1,592,722 alleles (0.00031%); highest among the groups gnomAD compares: Admixed American, 0.0017%; no homozygotes.

Submissions (2):

Labcorp Genetics (formerly Invitae), Labcorp
Classification: Uncertain significance for Muscular dystrophy-dystroglycanopathy (congenital with impaired intellectual development), type B, 2; Muscular dystrophy-dystroglycanopathy (congenital with brain and eye anomalies), type A2; Autosomal recessive limb-girdle muscular dystrophy type 2N. Last evaluated: 2021-09-24. Review status: criteria provided, single submitter. Criteria: Invitae Variant Classification Sherloc (09022015). Collection method: clinical testing. Allele origin: germline.
Comment: This sequence change replaces proline with serine at codon 16 of the POMT2 protein (p.Pro16Ser). The proline residue is moderately conserved and there is a moderate physicochemical difference between proline and serine. This variant is not present in population databases (ExAC no frequency). This variant has not been reported in the literature in individuals with POMT2-related conditions. Algorithms developed to predict the effect of missense changes on protein structure and function output the following: SIFT: "Tolerated"; PolyPhen-2: "Benign"; Align-GVGD: "Class C0". The serine amino acid residue is found in multiple mammalian species, suggesting that this missense change does not adversely affect protein function. These predictions have not been confirmed by published functional studies and their clinical significance is uncertain. In summary, the available evidence is currently insufficient to determine the role of this variant in disease. Therefore, it has been classified as a Variant of Uncertain Significance.

Revvity Omics, Revvity
Classification: Uncertain significance. Last evaluated: 2019-10-17. Review status: criteria provided, single submitter. Criteria: ACMG Guidelines, 2015. Collection method: clinical testing. Allele origin: germline.